The following is an entry in ClinVar:

NM_024721.5(ZFHX4):c.10619C>T (p.Ser3540Phe)

Gene: ZFHX4 (zinc finger homeobox 4; plus strand). Cytogenetic location: 8q21.13.
Variant type: single nucleotide variant.
Coding change: c.10619C>T on transcript NM_024721.5 (MANE Select); coding-DNA position 10619, C replaced by T.
Protein change: p.Ser3540Phe; replaces serine 3540 with phenylalanine.
Molecular consequence: missense variant.
Genome position (GRCh38, 1-based): chr8:76,864,333, C>T. VCF-style: chr8-76864333-C-T. GRCh37 (hg19) VCF-style: chr8-77776569-C-T.
Other names: c.10541C>T, p.Ser3514Phe (NM_001410934.1); short protein forms S3514F, S3540F.
Identifiers: ClinVar variation 3347572 (VCV003347572.1).
Genomic context (GRCh38, chr8:76,864,333, plus strand): 5'-GCTTCTCCATGAAGTCCTGGCCTAATATCCTTTTCCAAGCGTCTGCCAGGAGAGCTGCTT[C>T]TCCCCCTTCTTCTCCTCCTTCCCTTTCCTTGCCTTCAACGGTTACCTCAAGTTTGTGCAG-3'
Protein context (NP_078997.4, residues 3530-3550): LFQASARRAA[Ser3540Phe]PPSSPPSLSL

ClinVar aggregate classification (germline): Uncertain significance (0 of 4 stars; one submission).

Conditions:
ZFHX4-related disorder. Also called: ZFHX4-related condition.

Submission:

PreventionGenetics, part of Exact Sciences
Classification: Uncertain significance for ZFHX4-related condition. Last evaluated: 2024-08-27. Review status: no assertion criteria provided. Collection method: clinical testing. Allele origin: germline.
Comment: The ZFHX4 c.10619C>T variant is predicted to result in the amino acid substitution p.Ser3540Phe. To our knowledge, this variant has not been reported in the literature or in a large population database, indicating this variant is rare. At this time, the clinical significance of this variant is uncertain due to the absence of conclusive functional and genetic evidence.